The following is an entry in ClinVar:

NM_000059.4(BRCA2):c.5592_5593del (p.Phe1866fs)

Gene: BRCA2 (BRCA2 DNA repair associated; plus strand). Cytogenetic location: 13q13.1.
Variant type: Deletion.
Coding change: c.5592_5593del on transcript NM_000059.4 (MANE Select); coding-DNA positions 5592 to 5593, 2 bases deleted (CA; older notation c.5592_5593delCA).
Protein change: p.Phe1866fs; shifts the reading frame from phenylalanine 1866.
Molecular consequence: frameshift variant.
Genome position (GRCh38, 1-based): chr13:32,339,947-32,339,948, CA deleted; deleting any 2 consecutive bases within chr13:32,339,946-32,339,948 gives the same sequence; the c. name uses the placement nearest the transcript's 3' end. VCF-style (leftmost placement, unchanged base first): chr13-32339945-GAC-G. GRCh37 (hg19) VCF-style: chr13-32914082-GAC-G.
Other names: 5820_5821delCAp.Phe1866TyrfsX6hetero; c.5592_5593delCA (NM_000059.3).
Identifiers: ClinVar variation 51886 (VCV000051886.15), dbSNP rs397507791, ClinGen allele CA022659.

ClinVar aggregate classification (germline): Pathogenic. Review status: reviewed by expert panel (3 of 4 stars). 5 submissions from 5 submitters: Pathogenic (1). 4 of the submissions do not count toward it. Last evaluated 2016-10-18.

Conditions:
Hereditary breast ovarian cancer syndrome. Also called: Hereditary breast and ovarian cancer syndrome; Hereditary breast and ovarian cancer; Hereditary breast and ovarian cancer syndrome (HBOC); Breast and ovarian cancer; Hereditary breast and/or ovarian cancer syndrome; BRCA1- and BRCA2-Associated Hereditary Breast and Ovarian Cancer. Identifiers: Orphanet 145, MedGen C0677776, MeSH D061325, MONDO:0003582. Disease mechanism: loss of function.
Breast-ovarian cancer, familial, susceptibility to, 2 (BROVCA2). Also called: BRCA2 Hereditary Breast and Ovarian Cancer. Identifiers: Orphanet 145, MedGen C2675520, MONDO:0012933, OMIM 612555. Disease mechanism: loss of function.
Hereditary cancer-predisposing syndrome. Also called: Neoplastic Syndromes, Hereditary; Tumor predisposition; Hereditary neoplastic syndrome; Hereditary Cancer Syndrome. Identifiers: Orphanet 140162, MedGen C0027672, MeSH D009386, MONDO:0015356.

Submissions (5):

Evidence-based Network for the Interpretation of Germline Mutant Alleles (ENIGMA)
Classification: Pathogenic for Breast-ovarian cancer, familial, susceptibility to, 2. Last evaluated: 2016-10-18. Review status: reviewed by expert panel. Criteria: ENIGMA BRCA1/2 Classification Criteria (2015). Collection method: curation. Allele origin: germline.
Comment: Variant allele predicted to encode a truncated non-functional protein.

Ambry Genetics
Classification: Pathogenic for Hereditary cancer-predisposing syndrome. Last evaluated: 2024-12-27. Review status: criteria provided, single submitter. Criteria: Ambry Variant Classification Scheme 2023. Collection method: clinical testing. Allele origin: germline. Not counted in ClinVar's aggregate classification.
Comment: The c.5592_5593delCA pathogenic mutation, located in coding exon 10 of the BRCA2 gene, results from a deletion of two nucleotides at nucleotide positions 5592 to 5593, causing a translational frameshift with a predicted alternate stop codon (p.F1866Yfs*6). This variant was reported in individual(s) with features consistent with BRCA2-related cancer predisposition (Kim H et al. Breast Cancer Res Treat, 2012 Aug;134:1315-26). This variant is considered to be rare based on population cohorts in the Genome Aggregation Database (gnomAD). This alteration is expected to result in loss of function by premature protein truncation or nonsense-mediated mRNA decay. As such, this alteration is interpreted as a disease-causing mutation.

Labcorp Genetics (formerly Invitae), Labcorp
Classification: Pathogenic for Hereditary breast ovarian cancer syndrome. Last evaluated: 2021-06-14. Review status: criteria provided, single submitter. Criteria: Invitae Variant Classification Sherloc (09022015). Collection method: clinical testing. Allele origin: germline. Not counted in ClinVar's aggregate classification.
Comment: This sequence change creates a premature translational stop signal (p.Phe1866Tyrfs*6) in the BRCA2 gene. It is expected to result in an absent or disrupted protein product. Loss-of-function variants in BRCA2 are known to be pathogenic (PMID: 20104584). This variant is not present in population databases (ExAC no frequency). This variant has been observed in individual(s) with breast and/or ovarian cancer (PMID: 22798144, 30982232, 27670257). This variant is also known as c.5820_5821delCA. ClinVar contains an entry for this variant (Variation ID: 51886). For these reasons, this variant has been classified as Pathogenic.

Women's Health and Genetics/Laboratory Corporation of America, LabCorp
Classification: Pathogenic for Hereditary breast ovarian cancer syndrome. Last evaluated: 2021-05-13. Review status: criteria provided, single submitter. Criteria: LabCorp Variant Classification Summary - May 2015. Collection method: clinical testing. Allele origin: germline. Not counted in ClinVar's aggregate classification.
Comment: Variant summary: BRCA2 c.5592_5593delCA (p.Phe1866TyrfsX6) results in a premature termination codon, predicted to cause a truncation of the encoded protein or absence of the protein due to nonsense mediated decay, which are commonly known mechanisms for disease. Truncations downstream of this position have been classified as pathogenic by our laboratory. The variant was absent in 246000 control chromosomes (gnomAD). c.5592_5593delCA has been reported in the literature in individuals affected with breast cancer and/or ovarian cancer (Lecarpentier_2012, Kim_2012, Lee_2016, Wang_2019). These data indicate that the variant is likely to be associated with disease. To our knowledge, no experimental evidence demonstrating an impact on protein function has been reported. Two ClinVar submitters, including one expert panel (ENIGMA), (evaluation after 2014) cite the variant as pathogenic. Based on the evidence outlined above, the variant was classified as pathogenic.

Consortium of Investigators of Modifiers of BRCA1/2 (CIMBA), c/o University of Cambridge
Classification: Pathogenic for Breast-ovarian cancer, familial, susceptibility to, 2. Last evaluated: 2015-10-02. Review status: criteria provided, single submitter. Criteria: CIMBA Mutation Classification guidelines May 2016. Collection method: clinical testing. Allele origin: germline. Not counted in ClinVar's aggregate classification.

Literature cited by the submitters: PubMed 22798144 (cited by 3 submitters); PubMed 20104584 (cited by Labcorp Genetics (formerly Invitae), Labcorp); PubMed 30982232 (cited by Labcorp Genetics (formerly Invitae), Labcorp and Women's Health and Genetics/Laboratory Corporation of America, LabCorp); PubMed 27670257 (cited by Labcorp Genetics (formerly Invitae), Labcorp and Women's Health and Genetics/Laboratory Corporation of America, LabCorp); PubMed 22762150 (cited by Women's Health and Genetics/Laboratory Corporation of America, LabCorp); PubMed 25863477 (cited by Women's Health and Genetics/Laboratory Corporation of America, LabCorp); PubMed 29446198 (cited by Women's Health and Genetics/Laboratory Corporation of America, LabCorp).